The following is an entry in ClinVar:

ClinVar aggregate classification (germline): Likely benign (1 of 4 stars; one submission).

Conditions:
Autosomal recessive nonsyndromic hearing loss 9. Also called: NEUROSENSORY NONSYNDROMIC RECESSIVE DEAFNESS 9; OTOF-Related Hearing Loss; Deafness, autosomal recessive 9; AUDITORY NEUROPATHY, AUTOSOMAL RECESSIVE, 1, TEMPERATURE-SENSITIVE. Identifiers: Orphanet 90636, MedGen C1832828, MONDO:0010986, OMIM 601071.

gnomAD v4.1: 18 of 1,609,004 alleles (0.0011%); highest among the groups gnomAD compares: South Asian, 0.019%; no homozygotes.

Submission:

Centre for Medical Genetics,  Mumbai
Classification: Likely benign for Autosomal recessive nonsyndromic hearing loss 9. Last evaluated: 2026-05-11. Review status: criteria provided, single submitter. Criteria: ACMG Guidelines, 2015. Collection method: provider interpretation. Allele origin: germline. Inheritance: Autosomal recessive inheritance. Affected: no. Observed: 1 variant allele, 1 homozygote.
Comment: The variant satisfies PM2 criteria - extremely low frequency in gnomAD population databases. However, the variant satisfies BS2 criteria - present in heterozygous state in an individual that clinically does not have Deafness.

Literature cited by the submitters: PubMed 8789454.

NM_194248.3(OTOF):c.2773T>A (p.Phe925Ile)

Gene: OTOF (otoferlin; minus strand). Cytogenetic location: 2p23.3.
Variant type: single nucleotide variant.
Coding change: c.2773T>A on transcript NM_194248.3 (MANE Select); coding-DNA position 2773, T replaced by A.
Protein change: p.Phe925Ile; replaces phenylalanine 925 with isoleucine.
Molecular consequence: missense variant.
Genome position (GRCh38, 1-based): chr2:26,476,221, A>T on the plus strand (T>A on the coding strand, the complement: OTOF is on the minus strand). VCF-style: chr2-26476221-A-T. GRCh37 (hg19) VCF-style: chr2-26699089-A-T.
Other names: c.2773T>A, p.Phe925Ile (NM_001287489.2); c.532T>A, p.Phe178Ile (NM_004802.4, NM_194323.3); c.703T>A, p.Phe235Ile (NM_194322.3); short protein forms F178I, F235I, F925I.
Identifiers: ClinVar variation 4852457 (VCV004852457.1).